The following is an entry in ClinVar:

NM_001377.3(DYNC2H1):c.7051_7057dup (p.Arg2353delinsMetTer)

Gene: DYNC2H1 (dynein cytoplasmic 2 heavy chain 1; plus strand). Cytogenetic location: 11q22.3.
Variant type: Duplication.
Coding change: c.7051_7057dup on transcript NM_001377.3 (MANE Select); coding-DNA positions 7051 to 7057, 7 bases duplicated (TGTGAAA; older notation c.7051_7057dupTGTGAAA).
Protein change: p.Arg2353delinsMetTer.
Molecular consequence: nonsense.
Genome position (GRCh38, 1-based): chr11:103,187,497-103,187,503, TGTGAAA duplicated. VCF-style (leftmost placement, unchanged base first): chr11-103187496-C-CTGTGAAA. GRCh37 (hg19) VCF-style: chr11-103058225-C-CTGTGAAA.
Other names: c.7051_7057dup, p.Arg2353delinsMetTer (NM_001080463.2).
Identifiers: ClinVar variation 5016250 (VCV005016250.1).

ClinVar aggregate classification (germline): Pathogenic (1 of 4 stars; one submission).

Conditions:
Asphyxiating thoracic dystrophy 3. Also called: SHORT-RIB THORACIC DYSPLASIA 3 WITH OR WITHOUT POLYDACTYLY; POLYDACTYLY WITH NEONATAL CHONDRODYSTROPHY, TYPE I; SHORT-RIB THORACIC DYSPLASIA 3/6 WITH POLYDACTYLY, DIGENIC; Short rib polydactyly syndrome 2B; Saldino-Noonan Syndrome. Identifiers: Orphanet 474, Orphanet 93269, Orphanet 93270, Orphanet 93271, MedGen C0036069, MONDO:0013127, OMIM 613091.

Submission:

Myriad Genetics, Inc.
Classification: Pathogenic for Asphyxiating thoracic dystrophy 3. Last evaluated: 2026-08-18. Review status: criteria provided, single submitter. Criteria: Myriad Autosomal Dominant, Autosomal Recessive and X-Linked Classification Criteria (2023). Collection method: clinical testing. Allele origin: unknown.
Comment: NM_001377.2(DYNC2H1):c.7051_7057dup7(R2353Mfs*2) is expected to be pathogenic in the context of DYNC2H1-related disorders. This variant is predicted to lead to an abnormal or absent protein product due to the creation of a premature termination codon in DYNC2H1, a gene where loss-of-function variants are known to be pathogenic. Please note: this variant was assessed in the context of healthy population screening.